The following is an entry in ClinVar:

ClinVar aggregate classification (germline): Conflicting classifications of pathogenicity. Review status: criteria provided, conflicting classifications (1 of 4 stars). 15 submissions from 15 submitters: Uncertain significance (1); Benign (3); Likely benign (7). 4 of the submissions do not count toward it. Last evaluated 2026-09-01.

Conditions:
Distal myopathy with posterior leg and anterior hand involvement. Also called: WILLIAMS DISTAL MYOPATHY. Identifiers: Orphanet 63273, MedGen C3279722, MONDO:0013550, OMIM 614065.
Hypertrophic cardiomyopathy 26. Also called: Cardiomyopathy, familial hypertrophic, 26. Identifiers: Orphanet 75249, MedGen C4310749, MONDO:0014883, OMIM 617047.
Myofibrillar myopathy 5. Also called: Filaminopathy (type); FILAMINOPATHY, AUTOSOMAL DOMINANT. Identifiers: Orphanet 171445, MedGen C1836050, MONDO:0012289, OMIM 609524.
Cardiovascular phenotype. Identifiers: MedGen CN230736.
FLNC-related disorder. Also called: FLNC-related condition; FLNC-related disorders.
Cardiomyopathy (CMYO). Also called: Cardiomyopathies. Identifiers: Orphanet 167848, MedGen C0878544, MONDO:0004994, HP:0001638. Inheritance: Various modes of inheritance.

Allele frequency attached by ClinVar (database versions not stated): 1000 Genomes Project 30x 0.00062; gnomAD 0.00068 and 0.00072; gnomAD exomes 0.00078 and 0.00105; 1000 Genomes Project 0.00080; TOPMed 0.00084; ExAC 0.00094; ESP Exome Variant Server 0.00118.

Submissions (19):

CeGaT Center for Human Genetics Tuebingen
Classification: Likely benign. Last evaluated: 2026-09-01. Review status: criteria provided, single submitter. Criteria: CeGaT Center For Human Genetics Tuebingen Variant Classification Criteria Version 2. Collection method: clinical testing. Allele origin: germline. Affected: yes. Observed: 38 variant alleles.
Comment: FLNC: BS1

Labcorp Genetics (formerly Invitae), Labcorp
Classification: Benign for Distal myopathy with posterior leg and anterior hand involvement; Myofibrillar myopathy 5; Hypertrophic cardiomyopathy 26. Last evaluated: 2026-02-02. Review status: criteria provided, single submitter. Criteria: Invitae Variant Classification Sherloc (09022015). Collection method: clinical testing. Allele origin: germline.

Women's Health and Genetics/Laboratory Corporation of America, LabCorp
Classification: Likely benign. Last evaluated: 2026-02-02. Review status: criteria provided, single submitter. Criteria: LabCorp Variant Classification Summary - May 2015. Collection method: clinical testing. Allele origin: germline.
Comment: Variant summary: FLNC c.4022G>A (p.Arg1341Gln) results in a conservative amino acid change in the encoded protein sequence. Algorithms developed to predict the effect of missense changes on protein structure and function are either unavailable or do not agree on the potential impact of this missense change. The variant allele was found at a frequency of 0.001 in 248756 control chromosomes in the gnomAD database, including 1 homozygotes. The observed variant frequency exceeds the estimated maximal expected allele frequency for disease-causing variants in FLNC. c.4022G>A has been reported in the literature in individuals affected with Dilated Cardiomyopathy and hypertrophic cardiomyopathy, without strong evidence for causality (Jaouadi_2024, Gomez_2017).These report(s) do not provide unequivocal conclusions about association of the variant with Dilated Cardiomyopathy. To our knowledge, no experimental evidence demonstrating an impact on protein function has been reported. The following publications have been ascertained in the context of this evaluation (PMID: 28356264, 39554508, 25208129). ClinVar contains an entry for this variant (Variation ID: 195741). Based on the evidence outlined above, the variant was classified as likely benign.

Mayo Clinic Laboratories, Mayo Clinic
Classification: Likely benign. Last evaluated: 2025-07-23. Review status: criteria provided, single submitter. Criteria: ACMG Guidelines, 2015. Collection method: clinical testing. Allele origin: germline. Observed: 5 variant alleles.
Comment: BS1, BS2_supporting

Molecular Diagnostic Laboratory for Inherited Cardiovascular Disease, Montreal Heart Institute
Classification: Likely benign. Last evaluated: 2025-04-09. Review status: criteria provided, single submitter. Criteria: ACMG Guidelines, 2015. Collection method: clinical testing. Allele origin: germline. Affected: no.

Blueprint Genetics
Classification: Likely benign. Last evaluated: 2024-11-15. Review status: criteria provided, single submitter. Criteria: ACMG Guidelines, 2015. Collection method: clinical testing. Allele origin: germline.

ARUP Laboratories, Molecular Genetics and Genomics, ARUP Laboratories
Classification: Likely benign. Last evaluated: 2024-11-12. Review status: criteria provided, single submitter. Criteria: ARUP Molecular Germline Variant Investigation Process 2024. Collection method: clinical testing. Allele origin: germline.

CHEO Genetics Diagnostic Laboratory, Children's Hospital of Eastern Ontario
Classification: Benign for Cardiomyopathy. Last evaluated: 2021-12-20. Review status: criteria provided, single submitter. Criteria: ACMG Guidelines, 2015. Collection method: clinical testing. Allele origin: germline.

GeneDx
Classification: Benign. Last evaluated: 2020-01-10. Review status: criteria provided, single submitter. Criteria: GeneDx Variant Classification Process June 2021. Collection method: clinical testing. Allele origin: germline. Affected: yes.

Ambry Genetics
Classification: Likely benign for Cardiovascular phenotype. Last evaluated: 2019-01-09. Review status: criteria provided, single submitter. Criteria: Ambry Variant Classification Scheme 2023. Collection method: clinical testing. Allele origin: germline.

Eurofins Ntd Llc (ga)
Classification: Uncertain significance. Last evaluated: 2015-06-04. Review status: criteria provided, single submitter. Criteria: EGL Classification Definitions 2015. Collection method: clinical testing. Allele origin: germline. Observed: 2 variant alleles, 2 heterozygotes.

PreventionGenetics, part of Exact Sciences
Classification: Benign for FLNC-related condition. Last evaluated: 2020-03-11. Review status: no assertion criteria provided. Collection method: clinical testing. Allele origin: germline. Not counted in ClinVar's aggregate classification.
Comment: This variant is classified as benign based on ACMG/AMP sequence variant interpretation guidelines (Richards et al. 2015 PMID: 25741868, with internal and published modifications).

Clinical Genetics DNA and cytogenetics Diagnostics Lab, Erasmus MC, Erasmus Medical Center
Classification: Likely benign. Review status: no assertion criteria provided. Collection method: clinical testing. Allele origin: germline. Affected: yes. Study: VKGL Data-share Consensus. Not counted in ClinVar's aggregate classification.

Clinical Genetics, Academic Medical Center
Classification: Benign. Review status: no assertion criteria provided. Collection method: clinical testing. Allele origin: germline. Affected: yes. Study: VKGL Data-share Consensus. Not counted in ClinVar's aggregate classification.

Dr. Peter K. Rogan Lab, Western University
No classification provided (evidence only). Condition: Clear cell carcinoma of kidney. Review status: no classification provided. Collection method: in vitro. Allele origin: not applicable. Functional consequence: retained intron. Not counted in ClinVar's aggregate classification.

Dr. Peter K. Rogan Lab, Western University
No classification provided (evidence only). Condition: Lung cancer. Review status: no classification provided. Collection method: in vitro. Allele origin: not applicable. Functional consequence: retained intron. Not counted in ClinVar's aggregate classification.

Dr. Peter K. Rogan Lab, Western University
No classification provided (evidence only). Condition: Cervical cancer. Review status: no classification provided. Collection method: in vitro. Allele origin: not applicable. Functional consequence: retained intron. Not counted in ClinVar's aggregate classification.

Dr. Peter K. Rogan Lab, Western University
No classification provided (evidence only). Condition: Sarcoma. Review status: no classification provided. Collection method: in vitro. Allele origin: not applicable. Functional consequence: retained intron. Not counted in ClinVar's aggregate classification.

Genome Diagnostics Laboratory, University Medical Center Utrecht
Classification: Likely benign. Review status: no assertion criteria provided. Collection method: clinical testing. Allele origin: germline. Affected: yes. Study: VKGL Data-share Consensus. Not counted in ClinVar's aggregate classification.

Literature cited by the submitters: PubMed 28356264 (cited by Women's Health and Genetics/Laboratory Corporation of America, LabCorp and Mayo Clinic Laboratories, Mayo Clinic); PubMed 25208129 (cited by Women's Health and Genetics/Laboratory Corporation of America, LabCorp); PubMed 39554508 (cited by Women's Health and Genetics/Laboratory Corporation of America, LabCorp); PubMed 30086531 (cited by Mayo Clinic Laboratories, Mayo Clinic).

NM_001458.5(FLNC):c.4022G>A (p.Arg1341Gln)

Gene: FLNC (filamin C; plus strand). Cytogenetic location: 7q32.1.
Variant type: single nucleotide variant.
Coding change: c.4022G>A on transcript NM_001458.5 (MANE Select); coding-DNA position 4022, G replaced by A.
Protein change: p.Arg1341Gln; replaces arginine 1341 with glutamine.
Molecular consequence: missense variant.
Genome position (GRCh38, 1-based): chr7:128,846,358, G>A. VCF-style: chr7-128846358-G-A. GRCh37 (hg19) VCF-style: chr7-128486412-G-A.
Other names: p.Arg1341Gln; c.4022G>A, p.Arg1341Gln (NM_001127487.2); short protein forms R1341Q.
Identifiers: ClinVar variation 195741 (VCV000195741.62), dbSNP rs149641783, ClinGen allele CA242315.